The following is an entry in ClinVar:

ClinVar aggregate classification (germline): Uncertain significance (1 of 4 stars; one submission).

Conditions:
Neuroblastoma, susceptibility to, 3. Also called: ALK-Related Neuroblastic Tumor Susceptibility. Identifiers: Orphanet 635, MedGen C2751681, MONDO:0013083, OMIM 613014.

Submission:

Labcorp Genetics (formerly Invitae), Labcorp
Classification: Uncertain significance for Neuroblastoma, susceptibility to, 3. Last evaluated: 2022-07-30. Review status: criteria provided, single submitter. Criteria: Invitae Variant Classification Sherloc (09022015). Collection method: clinical testing. Allele origin: germline.
Comment: This sequence change replaces serine, which is neutral and polar, with proline, which is neutral and non-polar, at codon 440 of the ALK protein (p.Ser440Pro). This variant is not present in population databases (gnomAD no frequency). This variant has not been reported in the literature in individuals affected with ALK-related conditions. Algorithms developed to predict the effect of missense changes on protein structure and function are either unavailable or do not agree on the potential impact of this missense change (SIFT: "Deleterious"; PolyPhen-2: "Probably Damaging"; Align-GVGD: "Class C0"). In summary, the available evidence is currently insufficient to determine the role of this variant in disease. Therefore, it has been classified as a Variant of Uncertain Significance.

NM_004304.5(ALK):c.1318T>C (p.Ser440Pro)

Gene: ALK (ALK receptor tyrosine kinase; minus strand). Cytogenetic location: 2p23.2.
Variant type: single nucleotide variant.
Coding change: c.1318T>C on transcript NM_004304.5 (MANE Select); coding-DNA position 1318, T replaced by C.
Protein change: p.Ser440Pro; replaces serine 440 with proline.
Molecular consequence: missense variant.
Genome position (GRCh38, 1-based): chr2:29,328,446, A>G on the plus strand (T>C on the coding strand, the complement: ALK is on the minus strand). VCF-style: chr2-29328446-A-G. GRCh37 (hg19) VCF-style: chr2-29551312-A-G.
Other names: short protein forms S440P.
Identifiers: ClinVar variation 1714338 (VCV001714338.5), dbSNP rs2465459660, ClinGen allele CA346474454.